The following is an entry in ClinVar:

ClinVar aggregate classification (germline): Uncertain significance. Review status: criteria provided, multiple submitters, no conflicts (2 of 4 stars). 2 submissions from 2 submitters: Uncertain significance (2). Last evaluated 2024-02-17.

Conditions:
Inborn genetic diseases. Identifiers: MedGen C0950123, MeSH D030342.

Allele frequency attached by ClinVar (database versions not stated): gnomAD exomes below 0.00001; ExAC 0.00001.
gnomAD v4.1: 4 of 1,608,122 alleles (0.00025%); highest among the groups gnomAD compares: Non-Finnish European, 0.00034%; no homozygotes.

Submissions (2):

Labcorp Genetics (formerly Invitae), Labcorp
Classification: Uncertain significance. Last evaluated: 2024-02-17. Review status: criteria provided, single submitter. Criteria: Invitae Variant Classification Sherloc (09022015). Collection method: clinical testing. Allele origin: germline.
Comment: This sequence change replaces lysine, which is basic and polar, with arginine, which is basic and polar, at codon 111 of the RAD51 protein (p.Lys111Arg). This variant is present in population databases (rs760517215, gnomAD 0.007%). This variant has not been reported in the literature in individuals affected with RAD51-related conditions. Advanced modeling of protein sequence and biophysical properties (such as structural, functional, and spatial information, amino acid conservation, physicochemical variation, residue mobility, and thermodynamic stability) performed at Invitae indicates that this missense variant is not expected to disrupt RAD51 protein function with a negative predictive value of 80%. In summary, the available evidence is currently insufficient to determine the role of this variant in disease. Therefore, it has been classified as a Variant of Uncertain Significance.

Ambry Genetics
Classification: Uncertain significance for Inborn genetic diseases. Last evaluated: 2023-11-21. Review status: criteria provided, single submitter. Criteria: Ambry Variant Classification Scheme 2023. Collection method: clinical testing. Allele origin: germline.
Comment: The p.K111R variant (also known as c.332A>G), located in coding exon 3 of the RAD51 gene, results from an A to G substitution at nucleotide position 332. The lysine at codon 111 is replaced by arginine, an amino acid with highly similar properties. This amino acid position is conserved. In addition, this alteration is predicted to be tolerated by in silico analysis. Since supporting evidence is limited at this time, the clinical significance of this alteration remains unclear.

NM_002875.5(RAD51):c.332A>G (p.Lys111Arg)

Gene: RAD51 (RAD51 recombinase; plus strand). Cytogenetic location: 15q15.1.
Variant type: single nucleotide variant.
Coding change: c.332A>G on transcript NM_002875.5 (MANE Select); coding-DNA position 332, A replaced by G.
Protein change: p.Lys111Arg; replaces lysine 111 with arginine.
Molecular consequence: missense variant. On other transcripts: intron variant (2).
Genome position (GRCh38, 1-based): chr15:40,706,283, A>G. VCF-style: chr15-40706283-A-G. GRCh37 (hg19) VCF-style: chr15-40998481-A-G.
Other names: c.332A>G, p.Lys111Arg (NM_001164270.2); c.347-2742A>G (NM_133487.4, NM_001164269.2); short protein forms K111R.
Identifiers: ClinVar variation 3222849 (VCV003222849.3), dbSNP rs760517215, ClinGen allele CA7483972.